The following is an entry in ClinVar:

NM_018941.4(CLN8):c.513C>G (p.Pro171=)

Gene: CLN8 (CLN8 transmembrane ER and ERGIC protein; plus strand). Cytogenetic location: 8p23.3.
Variant type: single nucleotide variant.
Coding change: c.513C>G on transcript NM_018941.4 (MANE Select); coding-DNA position 513, C replaced by G.
Protein change: p.Pro171=; no amino-acid change (proline 171 retained).
Molecular consequence: synonymous variant.
Genome position (GRCh38, 1-based): chr8:1,771,567, C>G. VCF-style: chr8-1771567-C-G. GRCh37 (hg19) VCF-style: chr8-1719733-C-G.
Identifiers: ClinVar variation 386111 (VCV000386111.24), dbSNP rs376910635, ClinGen allele CA4599279.
Genomic context (GRCh38, chr8:1,771,567, plus strand): 5'-CAATCTCCAAGCTGGCCACTATCTAGCTATGACCACGTTGCTCCTGGAGATGAGCACGCC[C>G]TTTACCTGCGTTTCCTGGATGCTCTTAAAGGTAAGTGCATGCATCAGCAGAAGATGACAT-3'
Protein context (NP_061764.2, residues 161-181): MTTLLLEMST[Pro171=]FTCVSWMLLK

ClinVar aggregate classification (germline): Conflicting classifications of pathogenicity. Review status: criteria provided, conflicting classifications (1 of 4 stars). 7 submissions from 7 submitters: Uncertain significance (1); Likely benign (4). 2 of the submissions do not count toward it. Last evaluated 2026-02-01.

Conditions:
Inborn genetic diseases. Identifiers: MedGen C0950123, MeSH D030342.
Neuronal ceroid lipofuscinosis. Also called: Neuronal Ceroid Lipofuscinoses. Identifiers: Orphanet 216, Orphanet 79263, MedGen C0027877, MONDO:0016295. Disease mechanism: loss of function.
CLN8-related disorder. Also called: CLN8-related condition.

Allele frequency attached by ClinVar (database versions not stated): gnomAD exomes 0.00005 and 0.00016; ExAC 0.00014; 1000 Genomes Project 30x 0.00016; 1000 Genomes Project 0.00020; ESP Exome Variant Server 0.00038; gnomAD 0.00064 and 0.00073; TOPMed 0.00076.
gnomAD v4.1: 176 of 1,614,088 alleles (0.011%); highest among the groups gnomAD compares: African/African-American, 0.21%; no homozygotes.

Submissions (7):

Labcorp Genetics (formerly Invitae), Labcorp
Classification: Likely benign for Neuronal ceroid lipofuscinosis. Last evaluated: 2026-02-01. Review status: criteria provided, single submitter. Criteria: Invitae Variant Classification Sherloc (09022015). Collection method: clinical testing. Allele origin: germline.

Blueprint Genetics
Classification: Likely benign. Last evaluated: 2022-11-08. Review status: criteria provided, single submitter. Criteria: ACMG Guidelines, 2015. Collection method: clinical testing. Allele origin: germline.

Ambry Genetics
Classification: Likely benign for Inborn genetic diseases. Last evaluated: 2020-09-18. Review status: criteria provided, single submitter. Criteria: Ambry Variant Classification Scheme 2023. Collection method: clinical testing. Allele origin: germline.

GeneDx
Classification: Likely benign. Last evaluated: 2019-03-25. Review status: criteria provided, single submitter. Criteria: GeneDx Variant Classification Process June 2021. Collection method: clinical testing. Allele origin: germline. Affected: yes.

Eurofins Ntd Llc (ga)
Classification: Uncertain significance. Last evaluated: 2017-05-03. Review status: criteria provided, single submitter. Criteria: EGL Classification Definitions 2015. Collection method: clinical testing. Allele origin: germline. Observed: 2 variant alleles, 2 heterozygotes.

Natera, Inc.
Classification: Uncertain significance for Neuronal ceroid lipofuscinosis. Last evaluated: 2020-01-17. Review status: no assertion criteria provided. Collection method: clinical testing. Allele origin: germline. Not counted in ClinVar's aggregate classification.

PreventionGenetics, part of Exact Sciences
Classification: Likely benign for CLN8-related condition. Last evaluated: 2019-09-20. Review status: no assertion criteria provided. Collection method: clinical testing. Allele origin: germline. Not counted in ClinVar's aggregate classification.
Comment: This variant is classified as likely benign based on ACMG/AMP sequence variant interpretation guidelines (Richards et al. 2015 PMID: 25741868, with internal and published modifications).